The following is an entry in ClinVar:

NM_003227.4(TFR2):c.1106+1G>A

Gene: TFR2 (transferrin receptor 2; minus strand). Cytogenetic location: 7q22.1.
Variant type: single nucleotide variant.
Coding change: c.1106+1G>A on transcript NM_003227.4 (MANE Select); the canonical splice donor site of the intron after coding-DNA position 1106, G replaced by A.
Molecular consequence: splice donor variant.
Genome position (GRCh38, 1-based): chr7:100,631,805, C>T on the plus strand (G>A on the coding strand, the complement: TFR2 is on the minus strand). VCF-style: chr7-100631805-C-T. GRCh37 (hg19) VCF-style: chr7-100229428-C-T.
Other names: c.593+1G>A (NM_001206855.3).
Identifiers: ClinVar variation 4719059 (VCV004719059.1).

ClinVar aggregate classification (germline): Likely pathogenic (1 of 4 stars; one submission).

Conditions:
Hereditary hemochromatosis (HFE). Identifiers: MedGen C0392514, MONDO:0006507. Disease mechanism: loss of function.

Submission:

Labcorp Genetics (formerly Invitae), Labcorp
Classification: Likely pathogenic for Hereditary hemochromatosis. Last evaluated: 2025-05-13. Review status: criteria provided, single submitter. Criteria: Invitae Variant Classification Sherloc (09022015). Collection method: clinical testing. Allele origin: germline.
Comment: This sequence change affects a donor splice site in intron 8 of the TFR2 gene. It is expected to disrupt RNA splicing. Variants that disrupt the donor or acceptor splice site typically lead to a loss of protein function (PMID: 16199547), and loss-of-function variants in TFR2 are known to be pathogenic (PMID: 23600741, 26029709). This variant is not present in population databases (gnomAD no frequency). This variant has not been reported in the literature in individuals affected with TFR2-related conditions. Algorithms developed to predict the effect of sequence changes on RNA splicing suggest that this variant may disrupt the consensus splice site. In summary, the currently available evidence indicates that the variant is pathogenic, but additional data are needed to prove that conclusively. Therefore, this variant has been classified as Likely Pathogenic.

Literature cited by the submitters: PubMed 16199547; PubMed 23600741; PubMed 26029709.